The following is an entry in ClinVar:

NM_002602.4(PDE6G):c.139G>A (p.Val47Ile)

Gene: PDE6G (phosphodiesterase 6G; minus strand). Cytogenetic location: 17q25.3.
Variant type: single nucleotide variant.
Coding change: c.139G>A on transcript NM_002602.4 (MANE Select); coding-DNA position 139, G replaced by A.
Protein change: p.Val47Ile; replaces valine 47 with isoleucine.
Molecular consequence: missense variant.
Genome position (GRCh38, 1-based): chr17:81,653,167, C>T on the plus strand (G>A on the coding strand, the complement: PDE6G is on the minus strand). VCF-style: chr17-81653167-C-T. GRCh37 (hg19) VCF-style: chr17-79620197-C-T.
Other names: c.139G>A (NM_002602.3); c.139G>A, p.Val47Ile (NM_001365724.1, NM_001365725.1); short protein forms V47I.
Identifiers: ClinVar variation 1372692 (VCV001372692.7), dbSNP rs763070992, ClinGen allele CA8839058.

ClinVar aggregate classification (germline): Uncertain significance. Review status: criteria provided, multiple submitters, no conflicts (2 of 4 stars). 3 submissions from 3 submitters: Uncertain significance (3). Last evaluated 2025-07-15.

Allele frequency attached by ClinVar (database versions not stated): ExAC 0.00001; gnomAD 0.00001; TOPMed 0.00005.
gnomAD v4.1: 15 of 1,613,678 alleles (0.00093%); highest among the groups gnomAD compares: African/African-American, 0.0027%; no homozygotes.

Submissions (3):

Ambry Genetics
Classification: Uncertain significance. Last evaluated: 2025-07-15. Review status: criteria provided, single submitter. Criteria: Ambry Variant Classification Scheme 2023. Collection method: clinical testing. Allele origin: germline.

Blueprint Genetics
Classification: Uncertain significance. Last evaluated: 2022-08-30. Review status: criteria provided, single submitter. Criteria: ACMG Guidelines, 2015. Collection method: clinical testing. Allele origin: germline.

Labcorp Genetics (formerly Invitae), Labcorp
Classification: Uncertain significance. Last evaluated: 2022-07-19. Review status: criteria provided, single submitter. Criteria: Invitae Variant Classification Sherloc (09022015). Collection method: clinical testing. Allele origin: germline.
Comment: This sequence change replaces valine, which is neutral and non-polar, with isoleucine, which is neutral and non-polar, at codon 47 of the PDE6G protein (p.Val47Ile). This variant is present in population databases (rs763070992, gnomAD 0.007%). This variant has not been reported in the literature in individuals affected with PDE6G-related conditions. ClinVar contains an entry for this variant (Variation ID: 1372692). Algorithms developed to predict the effect of missense changes on protein structure and function output the following: SIFT: "Tolerated"; PolyPhen-2: "Benign"; Align-GVGD: "Class C0". The isoleucine amino acid residue is found in multiple mammalian species, which suggests that this missense change does not adversely affect protein function. In summary, the available evidence is currently insufficient to determine the role of this variant in disease. Therefore, it has been classified as a Variant of Uncertain Significance.